The following is an entry in ClinVar:

NM_030662.4(MAP2K2):c.1177G>A (p.Gly393Ser)

Gene: MAP2K2 (mitogen-activated protein kinase kinase 2; minus strand). Cytogenetic location: 19p13.3.
Variant type: single nucleotide variant.
Coding change: c.1177G>A on transcript NM_030662.4 (MANE Select); coding-DNA position 1177, G replaced by A.
Protein change: p.Gly393Ser; replaces glycine 393 with serine.
Molecular consequence: missense variant.
Genome position (GRCh38, 1-based): chr19:4,090,624, C>T on the plus strand (G>A on the coding strand, the complement: MAP2K2 is on the minus strand). VCF-style: chr19-4090624-C-T. GRCh37 (hg19) VCF-style: chr19-4090622-C-T.
Other names: short protein forms G393S.
Identifiers: ClinVar variation 837895 (VCV000837895.8), dbSNP rs755887476, ClinGen allele CA9090687.
Genomic context (GRCh38, chr19:4,090,624, plus strand): 5'-GGTCACCAGCGGGACGCAGGGAGCCCGGCCACTGTCACACGGCGGTGCGCGTGGGTGTGC[C>T]GGGCTGGTTCAGCCGCAGGGTTTTACACAACCAGCCGGCAAAATCCACTTCTTCCACCTC-3'
Protein context (NP_109587.1, residues 383-400): LCKTLRLNQP[Gly393Ser]TPTRTAV

ClinVar aggregate classification (germline): Uncertain significance. Review status: criteria provided, multiple submitters, no conflicts (2 of 4 stars). 2 submissions from 2 submitters: Uncertain significance (2). Last evaluated 2025-09-18.

Conditions:
RASopathy. Also called: rasopathies; Noonan spectrum disorder. Identifiers: Orphanet 536391, MedGen C5555857, MONDO:0021060.

Allele frequency attached by ClinVar (database versions not stated): ExAC below 0.00001; gnomAD 0.00001; gnomAD exomes 0.00001; TOPMed 0.00002.
gnomAD v4.1: 49 of 1,553,024 alleles (0.0032%); highest among the groups gnomAD compares: Non-Finnish European, 0.0041%; no homozygotes.

Submissions (2):

Labcorp Genetics (formerly Invitae), Labcorp
Classification: Uncertain significance for RASopathy. Last evaluated: 2025-09-18. Review status: criteria provided, single submitter. Criteria: Invitae Variant Classification Sherloc (09022015). Collection method: clinical testing. Allele origin: germline.
Comment: This sequence change replaces glycine, which is neutral and non-polar, with serine, which is neutral and polar, at codon 393 of the MAP2K2 protein (p.Gly393Ser). The frequency data for this variant in the population databases is considered unreliable, as metrics indicate poor data quality at this position in the gnomAD database. This variant has not been reported in the literature in individuals affected with MAP2K2-related conditions. ClinVar contains an entry for this variant (Variation ID: 837895). Invitae Evidence Modeling of protein sequence and biophysical properties (such as structural, functional, and spatial information, amino acid conservation, physicochemical variation, residue mobility, and thermodynamic stability) indicates that this missense variant is not expected to disrupt MAP2K2 protein function with a negative predictive value of 95%. In summary, the available evidence is currently insufficient to determine the role of this variant in disease. Therefore, it has been classified as a Variant of Uncertain Significance.

Women's Health and Genetics/Laboratory Corporation of America, LabCorp
Classification: Uncertain significance. Last evaluated: 2019-02-11. Review status: criteria provided, single submitter. Criteria: LabCorp Variant Classification Summary - May 2015. Collection method: clinical testing. Allele origin: germline.
Comment: Variant summary: MAP2K2 c.1177G>A (p.Gly393Ser) results in a non-conservative amino acid change in the encoded protein sequence. Four of five in-silico tools predict a benign effect of the variant on protein function. The variant allele was found at a frequency of 6.5e-05 in 30908 control chromosomes (gnomAD). The available data on variant occurrences in the general population are insufficient to allow any conclusion about variant significance. To our knowledge, no occurrence of c.1177G>A in individuals affected with Cardiofaciocutaneous Syndrome and no experimental evidence demonstrating its impact on protein function have been reported. No clinical diagnostic laboratories have submitted clinical-significance assessments for this variant to ClinVar after 2014. Based on the evidence outlined above, the variant was classified as uncertain significance.